The following is an entry in ClinVar:

NM_000083.3(CLCN1):c.980-2A>G

Gene: CLCN1 (chloride voltage-gated channel 1; plus strand). Cytogenetic location: 7q34.
Variant type: single nucleotide variant.
Coding change: c.980-2A>G on transcript NM_000083.3 (MANE Select); the canonical splice acceptor site of the intron before coding-DNA position 980, A replaced by G.
Molecular consequence: splice acceptor variant.
Genome position (GRCh38, 1-based): chr7:143,331,230, A>G. VCF-style: chr7-143331230-A-G. GRCh37 (hg19) VCF-style: chr7-143028323-A-G.
Identifiers: ClinVar variation 2945264 (VCV002945264.3), dbSNP rs1197125822, ClinGen allele CA369641761.

ClinVar aggregate classification (germline): Likely pathogenic (1 of 4 stars; one submission).

Conditions:
Congenital myotonia, autosomal dominant form (THD). Also called: THOMSEN DISEASE; Myotonia congenita autosomal dominant. Identifiers: Orphanet 614, MedGen C2936781, MONDO:0008055, OMIM 160800.
Congenital myotonia, autosomal recessive form. Also called: BECKER DISEASE; Becker Generalized Myotonia; myotonia congenita, autosomal recessive. Identifiers: Orphanet 614, MedGen C0751360, MONDO:0009715, OMIM 255700.

Submission:

Labcorp Genetics (formerly Invitae), Labcorp
Classification: Likely pathogenic for Congenital myotonia, autosomal recessive form; Congenital myotonia, autosomal dominant form. Last evaluated: 2023-08-18. Review status: criteria provided, single submitter. Criteria: Invitae Variant Classification Sherloc (09022015). Collection method: clinical testing. Allele origin: germline.
Comment: This variant is not present in population databases (gnomAD no frequency). In summary, the currently available evidence indicates that the variant is pathogenic, but additional data are needed to prove that conclusively. Therefore, this variant has been classified as Likely Pathogenic. Algorithms developed to predict the effect of sequence changes on RNA splicing suggest that this variant may disrupt the consensus splice site. This variant has not been reported in the literature in individuals affected with CLCN1-related conditions. This sequence change affects an acceptor splice site in intron 8 of the CLCN1 gene. It is expected to disrupt RNA splicing. Variants that disrupt the donor or acceptor splice site typically lead to a loss of protein function (PMID: 16199547), and loss-of-function variants in CLCN1 are known to be pathogenic (PMID: 17932099, 22094069, 23739125).

Literature cited by the submitters: PubMed 16199547; PubMed 17932099; PubMed 22094069; PubMed 23739125.